The following is an entry in ClinVar:

NM_015021.3(ZNF292):c.3479C>T (p.Pro1160Leu)

Gene: ZNF292 (zinc finger protein 292; plus strand). Cytogenetic location: 6q14.3.
Variant type: single nucleotide variant.
Coding change: c.3479C>T on transcript NM_015021.3 (MANE Select); coding-DNA position 3479, C replaced by T.
Protein change: p.Pro1160Leu; replaces proline 1160 with leucine.
Molecular consequence: missense variant.
Genome position (GRCh38, 1-based): chr6:87,257,108, C>T. VCF-style: chr6-87257108-C-T. GRCh37 (hg19) VCF-style: chr6-87966826-C-T.
Other names: c.3059C>T, p.Pro1020Leu (NM_001351444.2); short protein forms P1020L, P1160L.
Identifiers: ClinVar variation 4084276 (VCV004084276.8).

ClinVar aggregate classification (germline): Likely benign (1 of 4 stars; one submission).

gnomAD v4.1: 49 of 1,613,846 alleles (0.003%); highest among the groups gnomAD compares: Middle Eastern, 0.033%; no homozygotes.

Submission:

CeGaT Center for Human Genetics Tuebingen
Classification: Likely benign. Last evaluated: 2026-01-01. Review status: criteria provided, single submitter. Criteria: CeGaT Center For Human Genetics Tuebingen Variant Classification Criteria Version 2. Collection method: clinical testing. Allele origin: germline. Affected: yes. Observed: 2 variant alleles.
Comment: ZNF292: BP4